The following is an entry in ClinVar:

NM_004260.4(RECQL4):c.3248C>T (p.Pro1083Leu)

Gene: RECQL4 (RecQ like helicase 4; minus strand). Cytogenetic location: 8q24.3.
Variant type: single nucleotide variant.
Coding change: c.3248C>T on transcript NM_004260.4 (MANE Select); coding-DNA position 3248, C replaced by T.
Protein change: p.Pro1083Leu; replaces proline 1083 with leucine.
Molecular consequence: missense variant.
Genome position (GRCh38, 1-based): chr8:144,512,056, G>A on the plus strand (C>T on the coding strand, the complement: RECQL4 is on the minus strand). VCF-style: chr8-144512056-G-A. GRCh37 (hg19) VCF-style: chr8-145737439-G-A.
Other names: short protein forms P1083L.
Identifiers: ClinVar variation 650922 (VCV000650922.7), dbSNP rs1586791818, ClinGen allele CA372669327.

ClinVar aggregate classification (germline): Uncertain significance. Review status: criteria provided, multiple submitters, no conflicts (2 of 4 stars). 2 submissions from 2 submitters: Uncertain significance (2). Last evaluated 2025-08-19.

Conditions:
Inborn genetic diseases. Identifiers: MedGen C0950123, MeSH D030342.
Baller-Gerold syndrome (BGS). Also called: CRANIOSYNOSTOSIS WITH RADIAL DEFECTS. Identifiers: Orphanet 1225, MedGen C0265308, MONDO:0009039, OMIM 218600.

Allele frequency attached by ClinVar (database versions not stated): gnomAD exomes below 0.00001.
gnomAD v4.1: 2 of 1,608,420 alleles (0.00012%); highest among the groups gnomAD compares: Non-Finnish European, 0.00017%; no homozygotes.

Submissions (2):

Ambry Genetics
Classification: Uncertain significance for Inborn genetic diseases. Last evaluated: 2025-08-19. Review status: criteria provided, single submitter. Criteria: Ambry Variant Classification Scheme 2023. Collection method: clinical testing. Allele origin: germline.
Comment: The p.P1083L variant (also known as c.3248C>T), located in coding exon 19 of the RECQL4 gene, results from a C to T substitution at nucleotide position 3248. The proline at codon 1083 is replaced by leucine, an amino acid with similar properties. This amino acid position is conserved. In addition, the in silico prediction for this alteration is inconclusive. Based on the available evidence, the clinical significance of this variant remains unclear.

Labcorp Genetics (formerly Invitae), Labcorp
Classification: Uncertain significance for Baller-Gerold syndrome. Last evaluated: 2025-05-05. Review status: criteria provided, single submitter. Criteria: Invitae Variant Classification Sherloc (09022015). Collection method: clinical testing. Allele origin: germline.
Comment: This sequence change replaces proline, which is neutral and non-polar, with leucine, which is neutral and non-polar, at codon 1083 of the RECQL4 protein (p.Pro1083Leu). This variant is not present in population databases (gnomAD no frequency). This variant has not been reported in the literature in individuals affected with RECQL4-related conditions. ClinVar contains an entry for this variant (Variation ID: 650922). Invitae Evidence Modeling of protein sequence and biophysical properties (such as structural, functional, and spatial information, amino acid conservation, physicochemical variation, residue mobility, and thermodynamic stability) indicates that this missense variant is expected to disrupt RECQL4 protein function with a positive predictive value of 80%. In summary, the available evidence is currently insufficient to determine the role of this variant in disease. Therefore, it has been classified as a Variant of Uncertain Significance.